The following is an entry in ClinVar:

ClinVar aggregate classification (germline): Uncertain significance. Review status: criteria provided, single submitter (1 of 4 stars). 3 submissions from 3 submitters: Uncertain significance (1). 2 of the submissions do not count toward it. Last evaluated 2024-07-05.

Conditions:
PROS1-related disorder. Also called: PROS1-related condition.
Thrombophilia due to protein S deficiency, autosomal dominant (THPH5). Identifiers: Orphanet 26349, Orphanet 743, MedGen C3278211, MONDO:0012868, OMIM 612336. Disease mechanism: loss of function.

Submissions (3):

MVZ Martinsried, Medicover Genetics
Classification: Uncertain significance for Thrombophilia due to protein S deficiency, autosomal dominant. Last evaluated: 2024-07-05. Review status: criteria provided, single submitter. Criteria: ACGS Guidelines, 2020. Collection method: clinical testing. Allele origin: unknown. Affected: yes.

Department of Transfusion Medicine and Hemostaseology, University Hospital Erlangen
Classification: Uncertain significance for Thrombophilia due to protein S deficiency, autosomal dominant. Last evaluated: 2025-09-01. Review status: no assertion criteria provided. Collection method: clinical testing. Allele origin: germline. Not counted in ClinVar's aggregate classification.
Comment: This variant was identified during a screening of patients with suspected hereditary Protein S deficiency. Currently, no literature is available describing this variant and no allele frequency is reported in dbSNP. Several in silico variant effect prediction tools (PolyPhen-2, SIFT, AlphaMissense) classify this variant as likely pathogenic. Taken together, we classified this variant as of uncertain significance.

PreventionGenetics, part of Exact Sciences
Classification: Uncertain significance for PROS1-related condition. Last evaluated: 2024-02-13. Review status: no assertion criteria provided. Collection method: clinical testing. Allele origin: germline. Not counted in ClinVar's aggregate classification.
Comment: The PROS1 c.1960G>A variant is predicted to result in the amino acid substitution p.Ala654Thr. To our knowledge, this variant has not been reported in the literature. This variant is reported in 0.0% of alleles in individuals of African descent in gnomAD. At this time, the clinical significance of this variant is uncertain due to the absence of conclusive functional and genetic evidence.

NM_000313.4(PROS1):c.1960G>A (p.Ala654Thr)

Gene: PROS1 (protein S; minus strand). Cytogenetic location: 3q11.1.
Variant type: single nucleotide variant.
Coding change: c.1960G>A on transcript NM_000313.4 (MANE Select); coding-DNA position 1960, G replaced by A.
Protein change: p.Ala654Thr; replaces alanine 654 with threonine.
Molecular consequence: missense variant.
Genome position (GRCh38, 1-based): chr3:93,874,316, C>T on the plus strand (G>A on the coding strand, the complement: PROS1 is on the minus strand). VCF-style: chr3-93874316-C-T. GRCh37 (hg19) VCF-style: chr3-93593160-C-T.
Other names: c.2056G>A, p.Ala686Thr (NM_001314077.2); short protein forms A654T, A686T.
Identifiers: ClinVar variation 2635457 (VCV002635457.5), dbSNP rs1193075151, ClinGen allele CA353669662.
Genomic context (GRCh38, chr3:93,874,316, plus strand): 5'-TTGTCTTTTTCCAAACTGATGGACATGAGTGAGCTCTAATATCATTATGTTTAGAAATGG[C>T]TTCATCCAGATCCAACTGTACACCATTAATATTCACTTCCATGCAGCCATTATAAAAGGC-3'
Protein context (NP_000304.2, residues 644-664): INGVQLDLDE[Ala654Thr]ISKHNDIRAH